The following is an entry in ClinVar:

ClinVar aggregate classification (germline): Pathogenic (1 of 4 stars; one submission).

Submission:

Labcorp Genetics (formerly Invitae), Labcorp
Classification: Pathogenic. Last evaluated: 2025-11-25. Review status: criteria provided, single submitter. Criteria: Invitae Variant Classification Sherloc (09022015). Collection method: clinical testing. Allele origin: germline.
Comment: This sequence change creates a premature translational stop signal (p.Ser1445*) in the ZNF469 gene. While this is not anticipated to result in nonsense mediated decay, it is expected to disrupt the last 2481 amino acid(s) of the ZNF469 protein. Information on the frequency of this variant in the gnomAD database is not available, as this variant may be reported differently in the database. This variant has not been reported in the literature in individuals affected with ZNF469-related conditions. This variant disrupts a region of the ZNF469 protein in which other variant(s) (p.Pro3556Glnfs*136) have been determined to be pathogenic (PMID: 32671420). This suggests that this is a clinically significant region of the protein, and that variants that disrupt it are likely to be disease-causing. For these reasons, this variant has been classified as Pathogenic.

Literature cited by the submitters: PubMed 32671420.

NM_001367624.2(ZNF469):c.4418_4419inv (p.Ser1473Ter)

Gene: ZNF469 (zinc finger protein 469; plus strand). Cytogenetic location: 16q24.2.
Variant type: Inversion.
Coding change: c.4418_4419inv on transcript NM_001367624.2 (MANE Select).
Protein change: p.Ser1473Ter; replaces serine 1473 with a stop codon.
Molecular consequence: nonsense.
Genome position: GRCh38 VCF-style: chr16-88431888-CT-AG. GRCh37 (hg19) VCF-style: chr16-88498296-CT-AG.
Other names: short protein forms S1473*.
Identifiers: ClinVar variation 4731511 (VCV004731511.1).